The following is an entry in ClinVar:

ClinVar aggregate classification (germline): Uncertain significance (1 of 4 stars; one submission).

Conditions:
3-hydroxyisobutyryl-CoA hydrolase deficiency. Also called: Reduced circulating 3-hydroxyisobutyryl-CoA hydrolase activity; Deficiency of 3-hydroxyisobutyryl CoA hydrolase; HIBCH DEFICIENCY; METHACRYLIC ACID TOXICITY; METHACRYLIC ACIDURIA; VALINE METABOLIC DEFECT. Identifiers: Orphanet 88639, MedGen C0342738, MONDO:0009603, OMIM 250620, HP:6000215.

Submission:

Labcorp Genetics (formerly Invitae), Labcorp
Classification: Uncertain significance for 3-hydroxyisobutyryl-CoA hydrolase deficiency. Last evaluated: 2024-10-20. Review status: criteria provided, single submitter. Criteria: Invitae Variant Classification Sherloc (09022015). Collection method: clinical testing. Allele origin: germline.
Comment: This sequence change replaces proline, which is neutral and non-polar, with glutamine, which is neutral and polar, at codon 357 of the HIBCH protein (p.Pro357Gln). This variant is not present in population databases (gnomAD no frequency). This variant has not been reported in the literature in individuals affected with HIBCH-related conditions. Invitae Evidence Modeling of protein sequence and biophysical properties (such as structural, functional, and spatial information, amino acid conservation, physicochemical variation, residue mobility, and thermodynamic stability) indicates that this missense variant is expected to disrupt HIBCH protein function with a positive predictive value of 80%. In summary, the available evidence is currently insufficient to determine the role of this variant in disease. Therefore, it has been classified as a Variant of Uncertain Significance.

NM_014362.4(HIBCH):c.1070C>A (p.Pro357Gln)

Gene: HIBCH (3-hydroxyisobutyryl-CoA hydrolase; minus strand). Cytogenetic location: 2q32.2.
Variant type: single nucleotide variant.
Coding change: c.1070C>A on transcript NM_014362.4 (MANE Select); coding-DNA position 1070, C replaced by A.
Protein change: p.Pro357Gln; replaces proline 357 with glutamine.
Molecular consequence: missense variant. On other transcripts: 3 prime UTR variant (1).
Genome position (GRCh38, 1-based): chr2:190,205,208, G>T on the plus strand (C>A on the coding strand, the complement: HIBCH is on the minus strand). VCF-style: chr2-190205208-G-T. GRCh37 (hg19) VCF-style: chr2-191069934-G-T.
Other names: c.*19C>A (NM_198047.3); short protein forms P357Q.
Identifiers: ClinVar variation 3684887 (VCV003684887.2).